The following is an entry in ClinVar:

NM_001127898.4(CLCN5):c.417T>A (p.Gly139=)

Gene: CLCN5 (chloride voltage-gated channel 5; plus strand). Cytogenetic location: Xp11.23.
Variant type: single nucleotide variant.
Coding change: c.417T>A on transcript NM_001127898.4 (MANE Select); coding-DNA position 417, T replaced by A.
Protein change: p.Gly139=; no amino-acid change (glycine 139 retained).
Molecular consequence: synonymous variant.
Genome position (GRCh38, 1-based): chrX:50,075,796, T>A. VCF-style: chrX-50075796-T-A. GRCh37 (hg19) VCF-style: chrX-49840451-T-A.
Other names: c.207T>A, p.Gly69= (NM_000084.5); c.417T>A, p.Gly139= (NM_001127899.4); c.267T>A, p.Gly89= (NM_001282163.2).
Identifiers: ClinVar variation 2796688 (VCV002796688.3), dbSNP rs113780806, ClinGen allele CA516469651.

ClinVar aggregate classification (germline): Uncertain significance (1 of 4 stars; one submission).

Submission:

Labcorp Genetics (formerly Invitae), Labcorp
Classification: Uncertain significance. Last evaluated: 2023-05-08. Review status: criteria provided, single submitter. Criteria: Invitae Variant Classification Sherloc (09022015). Collection method: clinical testing. Allele origin: germline.
Comment: This sequence change affects codon 69 of the CLCN5 mRNA. It is a 'silent' change, meaning that it does not change the encoded amino acid sequence of the CLCN5 protein. This variant is not present in population databases (gnomAD no frequency). This variant has not been reported in the literature in individuals affected with CLCN5-related conditions. Algorithms developed to predict the effect of sequence changes on RNA splicing suggest that this variant may disrupt the consensus splice site. In summary, the available evidence is currently insufficient to determine the role of this variant in disease. Therefore, it has been classified as a Variant of Uncertain Significance.